The following is an entry in ClinVar:

NM_020738.4(KIDINS220):c.2823A>G (p.Arg941=)

Gene: KIDINS220 (kinase D interacting substrate 220; minus strand). Cytogenetic location: 2p25.1.
Variant type: single nucleotide variant.
Coding change: c.2823A>G on transcript NM_020738.4 (MANE Select); coding-DNA position 2823, A replaced by G.
Protein change: p.Arg941=; no amino-acid change (arginine 941 retained).
Molecular consequence: synonymous variant. On other transcripts: non-coding transcript variant (2).
Genome position (GRCh38, 1-based): chr2:8,776,773, T>C on the plus strand (A>G on the coding strand, the complement: KIDINS220 is on the minus strand). VCF-style: chr2-8776773-T-C. GRCh37 (hg19) VCF-style: chr2-8916903-T-C.
Other names: c.2826A>G, p.Arg942= (NM_001348729.2, NM_001348731.2, NM_001348734.2 and 3 more transcripts); c.2823A>G, p.Arg941= (NM_001348732.2, NM_001348735.2, NM_001348738.2 and 3 more transcripts); c.2697A>G, p.Arg899= (NM_001348736.2).
Identifiers: ClinVar variation 4992265 (VCV004992265.1).

ClinVar aggregate classification (germline): Uncertain significance (1 of 4 stars; one submission).

Conditions:
KIDINS220-related disorder. Also called: KIDINS220-related condition.

gnomAD v4.1: 3 of 1,613,802 alleles (0.00019%); highest among the groups gnomAD compares: Non-Finnish European, 0.00025%; no homozygotes.

Submission:

PreventionGenetics, part of Exact Sciences
Classification: Uncertain significance for KIDINS220-related condition. Last evaluated: 2026-09-08. Review status: criteria provided, single submitter. Criteria: ACMG Guidelines, 2015. Collection method: clinical testing. Allele origin: germline.
Comment: The KIDINS220 c.2823A>G variant is not predicted to result in an amino acid change (p.=). This variant is predicted to impact splicing based on splice prediction algorithms (SpliceAI, Jaganathan et al. 2019. PubMed ID: 30661751). To our knowledge, this variant has not been reported in the literature. This variant is reported in 0.0016% of alleles in individuals of European (Non-Finnish) descent in gnomAD. At this time, the clinical significance of this variant is uncertain due to the absence of conclusive functional and genetic evidence.